The following is an entry in ClinVar:

NM_007347.5(AP4E1):c.1709C>T (p.Thr570Ile)

Gene: AP4E1 (adaptor related protein complex 4 subunit epsilon 1; plus strand). Cytogenetic location: 15q21.2.
Variant type: single nucleotide variant.
Coding change: c.1709C>T on transcript NM_007347.5 (MANE Select); coding-DNA position 1709, C replaced by T.
Protein change: p.Thr570Ile; replaces threonine 570 with isoleucine.
Molecular consequence: missense variant.
Genome position (GRCh38, 1-based): chr15:50,958,652, C>T. VCF-style: chr15-50958652-C-T. GRCh37 (hg19) VCF-style: chr15-51250849-C-T.
Other names: c.1484C>T, p.Thr495Ile (NM_001252127.2); short protein forms T495I, T570I.
Identifiers: ClinVar variation 1460974 (VCV001460974.6), dbSNP rs1235679423, ClinGen allele CA392418569.
Genomic context (GRCh38, chr15:50,958,652, plus strand): 5'-CAAAAGCCTGGTTAATTGCTGCTGTGACCAAATTGACATCTCAGGCGCACTCTTCTAATA[C>T]AGTTGAGAGATTAATCCATGAATTTACCATATCTTTGGATACTTGTATGAGACAACATGC-3'
Protein context (NP_031373.2, residues 560-580): KLTSQAHSSN[Thr570Ile]VERLIHEFTI

ClinVar aggregate classification (germline): Uncertain significance (1 of 4 stars; one submission).

Conditions:
Spastic paraplegia. Identifiers: MedGen C0037772, HP:0001258.

Allele frequency attached by ClinVar (database versions not stated): gnomAD exomes below 0.00001.
gnomAD v4.1: 2 of 1,614,098 alleles (0.00012%); highest among the groups gnomAD compares: South Asian, 0.0011%; no homozygotes.

Submission:

Labcorp Genetics (formerly Invitae), Labcorp
Classification: Uncertain significance for Spastic paraplegia. Last evaluated: 2024-02-17. Review status: criteria provided, single submitter. Criteria: Invitae Variant Classification Sherloc (09022015). Collection method: clinical testing. Allele origin: germline.
Comment: This sequence change replaces threonine, which is neutral and polar, with isoleucine, which is neutral and non-polar, at codon 570 of the AP4E1 protein (p.Thr570Ile). This variant is present in population databases (no rsID available, gnomAD 0.003%). This variant has not been reported in the literature in individuals affected with AP4E1-related conditions. ClinVar contains an entry for this variant (Variation ID: 1460974). Algorithms developed to predict the effect of missense changes on protein structure and function output the following: SIFT: "Not Available"; PolyPhen-2: "Benign"; Align-GVGD: "Not Available". The isoleucine amino acid residue is found in multiple mammalian species, which suggests that this missense change does not adversely affect protein function. In summary, the available evidence is currently insufficient to determine the role of this variant in disease. Therefore, it has been classified as a Variant of Uncertain Significance.